The following is an entry in ClinVar:

NM_020937.4(FANCM):c.547A>T (p.Ser183Cys)

Gene: FANCM (FA complementation group M; plus strand). Cytogenetic location: 14q21.2.
Variant type: single nucleotide variant.
Coding change: c.547A>T on transcript NM_020937.4 (MANE Select); coding-DNA position 547, A replaced by T.
Protein change: p.Ser183Cys; replaces serine 183 with cysteine.
Molecular consequence: missense variant.
Genome position (GRCh38, 1-based): chr14:45,137,107, A>T. VCF-style: chr14-45137107-A-T. GRCh37 (hg19) VCF-style: chr14-45606310-A-T.
Other names: c.547A>T, p.Ser183Cys (NM_001308133.2, NM_001308134.2); short protein forms S183C.
Identifiers: ClinVar variation 3848759 (VCV003848759.1).
Genomic context (GRCh38, chr14:45,137,107, plus strand): 5'-AGAATGTCACTTTTATTTTCAGGGTCTACACAAGCTTCCACCAGGAAGGAAATATGGTGC[A>T]GTAAGAGAGTGCTTTTTCTTACACCTCAGGTCATGGTAAATGACCTTTCTAGAGGAGCTT-3'
Protein context (NP_065988.1, residues 173-193): QASTRKEIWC[Ser183Cys]KRVLFLTPQV

ClinVar aggregate classification (germline): Uncertain significance (1 of 4 stars; one submission).

Conditions:
Inborn genetic diseases. Identifiers: MedGen C0950123, MeSH D030342.

Submission:

Ambry Genetics
Classification: Uncertain significance for Inborn genetic diseases. Last evaluated: 2025-02-23. Review status: criteria provided, single submitter. Criteria: Ambry Variant Classification Scheme 2023. Collection method: clinical testing. Allele origin: germline.
Comment: The p.S183C variant (also known as c.547A>T), located in coding exon 2 of the FANCM gene, results from an A to T substitution at nucleotide position 547. The serine at codon 183 is replaced by cysteine, an amino acid with dissimilar properties. This amino acid position is conserved. In addition, this alteration is predicted to be tolerated by in silico analysis. Based on the available evidence, the clinical significance of this variant remains unclear.